The following is an entry in ClinVar:

ClinVar aggregate classification (germline): Likely benign. Review status: criteria provided, single submitter (1 of 4 stars). 2 submissions from 2 submitters: Likely benign (1). 1 of the submissions does not count toward it. Last evaluated 2023-05-12.

Conditions:
BBS7-related disorder. Also called: BBS7-related condition.
Bardet-Biedl syndrome (BBS). Identifiers: Orphanet 110, MedGen C0752166, MONDO:0015229.

Submissions (2):

Labcorp Genetics (formerly Invitae), Labcorp
Classification: Likely benign for Bardet-Biedl syndrome. Last evaluated: 2023-05-12. Review status: criteria provided, single submitter. Criteria: Invitae Variant Classification Sherloc (09022015). Collection method: clinical testing. Allele origin: germline.

PreventionGenetics, part of Exact Sciences
Classification: Likely benign for BBS7-related condition. Last evaluated: 2020-07-29. Review status: no assertion criteria provided. Collection method: clinical testing. Allele origin: germline. Not counted in ClinVar's aggregate classification.
Comment: This variant is classified as likely benign based on ACMG/AMP sequence variant interpretation guidelines (Richards et al. 2015 PMID: 25741868, with internal and published modifications).

NM_176824.3(BBS7):c.1786+10_1786+13del

Gene: BBS7 (Bardet-Biedl syndrome 7; minus strand). Cytogenetic location: 4q27.
Variant type: Microsatellite.
Coding change: c.1786+10_1786+13del on transcript NM_176824.3 (MANE Select); bases 10 to 13 of the intron after coding-DNA position 1786, 4 bases deleted (CAAA; older notation c.1786+10_1786+13delCAAA).
Molecular consequence: intron variant.
Genome position (GRCh38, 1-based): chr4:121,828,606-121,828,609, TTTG deleted on the plus strand (CAAA on the coding strand, the reverse complement: BBS7 is on the minus strand); deleting any 4 consecutive bases within chr4:121,828,606-121,828,616 gives the same sequence; the c. name uses the placement nearest the transcript's 3' end. VCF-style (leftmost placement, unchanged base first): chr4-121828605-TTTTG-T. GRCh37 (hg19) VCF-style: chr4-122749760-TTTTG-T.
Other names: c.1786+10_1786+13del (NM_018190.4); c.1786+10_1786+13delCAAA (NM_176824.2).
Identifiers: ClinVar variation 2915474 (VCV002915474.5), dbSNP rs747246136, ClinGen allele CA3064138.